The following is an entry in ClinVar:

ClinVar aggregate classification (germline): Uncertain significance (0 of 4 stars; one submission).

Conditions:
COL6A6-related disorder. Also called: COL6A6-related condition.

Submission:

PreventionGenetics, part of Exact Sciences
Classification: Uncertain significance for COL6A6-related condition. Last evaluated: 2024-06-17. Review status: no assertion criteria provided. Collection method: clinical testing. Allele origin: germline.
Comment: The COL6A6 c.4070G>C variant is predicted to result in the amino acid substitution p.Arg1357Thr. To our knowledge, this variant has not been reported in the literature or in a large population database, indicating this variant is rare. At this time, the clinical significance of this variant is uncertain due to the absence of conclusive functional and genetic evidence.

NM_001102608.3(COL6A6):c.4070G>C (p.Arg1357Thr)

Gene: COL6A6 (collagen type VI alpha 6 chain; plus strand). Cytogenetic location: 3q22.1.
Variant type: single nucleotide variant.
Coding change: c.4070G>C on transcript NM_001102608.3 (MANE Select); coding-DNA position 4070, G replaced by C.
Protein change: p.Arg1357Thr; replaces arginine 1357 with threonine.
Molecular consequence: missense variant.
Genome position (GRCh38, 1-based): chr3:130,586,605, G>C. VCF-style: chr3-130586605-G-C. GRCh37 (hg19) VCF-style: chr3-130305449-G-C.
Other names: short protein forms R1357T.
Identifiers: ClinVar variation 3344418 (VCV003344418.1).